The following is an entry in ClinVar:

ClinVar aggregate classification (germline): Uncertain significance (1 of 4 stars; one submission).

Conditions:
Cardiovascular phenotype. Identifiers: MedGen CN230736.

Allele frequency attached by ClinVar (database versions not stated): gnomAD 0.00001; TOPMed below 0.00001.

Submission:

Ambry Genetics
Classification: Uncertain significance for Cardiovascular phenotype. Last evaluated: 2022-06-27. Review status: criteria provided, single submitter. Criteria: Ambry Variant Classification Scheme 2023. Collection method: clinical testing. Allele origin: germline.
Comment: The p.P43Q variant (also known as c.128C>A), located in coding exon 1 of the ALPK3 gene, results from a C to A substitution at nucleotide position 128. The proline at codon 43 is replaced by glutamine, an amino acid with similar properties. This amino acid position is conserved. In addition, this alteration is predicted to be tolerated by in silico analysis. Since supporting evidence is limited at this time, the clinical significance of this alteration remains unclear.

NM_020778.4(ALPK3):c.128C>A (p.Pro43Gln)

Gene: ALPK3 (alpha kinase 3; plus strand). Cytogenetic location: 15q25.3.
Variant type: single nucleotide variant.
Coding change: c.128C>A on transcript NM_020778.4; coding-DNA position 128, C replaced by A.
Protein change: p.Pro43Gln; replaces proline 43 with glutamine.
Genome position (GRCh38, 1-based): chr15:84,816,974, C>A. VCF-style: chr15-84816974-C-A. GRCh37 (hg19) VCF-style: chr15-85360205-C-A.
Other names: short protein forms P43Q.
Identifiers: ClinVar variation 1769054 (VCV001769054.2), dbSNP rs1334171048, ClinGen allele CA393368227.